The following is an entry in ClinVar:

ClinVar aggregate classification (germline): Uncertain significance. Review status: criteria provided, multiple submitters, no conflicts (2 of 4 stars). 2 submissions from 2 submitters: Uncertain significance (2). Last evaluated 2025-01-22.

Conditions:
Fanconi renotubular syndrome 3 (FRTS3). Identifiers: MedGen C3810100, MONDO:0014275, OMIM 615605.
EHHADH-related disorder. Also called: EHHADH-related condition.

Allele frequency attached by ClinVar (database versions not stated): gnomAD exomes 0.00002; TOPMed 0.00003; gnomAD 0.00004; ESP Exome Variant Server 0.00008.
gnomAD v4.1: 38 of 1,614,054 alleles (0.0024%); highest among the groups gnomAD compares: African/African-American, 0.0053%; no homozygotes.

Submissions (2):

PreventionGenetics, part of Exact Sciences
Classification: Uncertain significance for EHHADH-related condition. Last evaluated: 2025-01-22. Review status: criteria provided, single submitter. Criteria: ACMG Guidelines, 2015. Collection method: clinical testing. Allele origin: germline.
Comment: The EHHADH c.1984G>A variant is predicted to result in the amino acid substitution p.Gly662Arg. To our knowledge, this variant has not been reported in the literature. This variant is reported in 0.0040% of alleles in individuals of African descent in gnomAD. At this time, the clinical significance of this variant is uncertain due to the absence of conclusive functional and genetic evidence.

Genomic Medicine Center of Excellence, King Faisal Specialist Hospital and Research Centre
Classification: Uncertain significance for Fanconi renotubular syndrome 3. Last evaluated: 2024-03-25. Review status: criteria provided, single submitter. Criteria: ACMG Guidelines, 2015. Collection method: research. Allele origin: germline.

NM_001966.4(EHHADH):c.1984G>A (p.Gly662Arg)

Gene: EHHADH (enoyl-CoA hydratase and 3-hydroxyacyl CoA dehydrogenase; minus strand). Cytogenetic location: 3q27.2.
Variant type: single nucleotide variant.
Coding change: c.1984G>A on transcript NM_001966.4 (MANE Select); coding-DNA position 1984, G replaced by A.
Protein change: p.Gly662Arg; replaces glycine 662 with arginine.
Molecular consequence: missense variant.
Genome position (GRCh38, 1-based): chr3:185,192,414, C>T on the plus strand (G>A on the coding strand, the complement: EHHADH is on the minus strand). VCF-style: chr3-185192414-C-T. GRCh37 (hg19) VCF-style: chr3-184910202-C-T.
Other names: c.1984G>A (NM_001966.3); c.1696G>A, p.Gly566Arg (NM_001166415.2); short protein forms G566R, G662R.
Identifiers: ClinVar variation 3064451 (VCV003064451.3), dbSNP rs147199442, ClinGen allele CA89552539.